The following is an entry in ClinVar:

ClinVar aggregate classification (germline): Pathogenic. Review status: reviewed by expert panel (3 of 4 stars). 9 submissions from 9 submitters: Pathogenic (1). 8 of the submissions do not count toward it. Last evaluated 2017-12-15.

Conditions:
BRCA2-related disorder. Also called: BRCA2-related condition; BRCA2-related disorders. Identifiers: MedGen CN239275.
Hereditary cancer-predisposing syndrome. Also called: Neoplastic Syndromes, Hereditary; Hereditary Cancer Syndrome; Tumor predisposition; Hereditary neoplastic syndrome. Identifiers: Orphanet 140162, MedGen C0027672, MeSH D009386, MONDO:0015356.
Breast-ovarian cancer, familial, susceptibility to, 2 (BROVCA2). Also called: BRCA2 Hereditary Breast and Ovarian Cancer. Identifiers: Orphanet 145, MedGen C2675520, MONDO:0012933, OMIM 612555. Disease mechanism: loss of function.
Hereditary breast ovarian cancer syndrome. Also called: Hereditary breast and ovarian cancer; BRCA1- and BRCA2-Associated Hereditary Breast and Ovarian Cancer; Hereditary breast and ovarian cancer syndrome; Hereditary breast and ovarian cancer syndrome (HBOC); Breast and ovarian cancer; Hereditary breast and/or ovarian cancer syndrome. Identifiers: Orphanet 145, MedGen C0677776, MeSH D061325, MONDO:0003582. Disease mechanism: loss of function.
Familial cancer of breast. Also called: hereditary breast carcinoma; BREAST CANCER, FAMILIAL; Hereditary breast cancer. Identifiers: Orphanet 227535, MedGen C0346153, MONDO:0016419, OMIM 114480. Disease mechanism: loss of function.

Allele frequency attached by ClinVar (database versions not stated): gnomAD exomes below 0.00001.

Submissions (9):

Evidence-based Network for the Interpretation of Germline Mutant Alleles (ENIGMA)
Classification: Pathogenic for Breast-ovarian cancer, familial, susceptibility to, 2. Last evaluated: 2017-12-15. Review status: reviewed by expert panel. Criteria: ENIGMA BRCA1/2 Classification Criteria (2017-06-29). Collection method: curation. Allele origin: germline. Study: ENIGMA.
Comment: Variant allele predicted to encode a truncated non-functional protein.

Ambry Genetics
Classification: Pathogenic for Hereditary cancer-predisposing syndrome. Last evaluated: 2026-03-23. Review status: criteria provided, single submitter. Criteria: Ambry Variant Classification Scheme 2023. Collection method: clinical testing. Allele origin: germline. Not counted in ClinVar's aggregate classification.
Comment: The c.5120delC alteration, located in exon 11 (coding exon 10) of the BRCA2 gene, consists of a deletion of one nucleotide at position 5120, causing a translational frameshift with a predicted alternate stop codon after amino acids. This variant is expected to result in loss of function by premature protein truncation or nonsense-mediated mRNA decay. This variant was not reported in population-based cohorts in the Genome Aggregation Database (gnomAD). Based on the available evidence, this alteration is classified as pathogenic.

Labcorp Genetics (formerly Invitae), Labcorp
Classification: Pathogenic for Hereditary breast ovarian cancer syndrome. Last evaluated: 2025-09-06. Review status: criteria provided, single submitter. Criteria: Invitae Variant Classification Sherloc (09022015). Collection method: clinical testing. Allele origin: germline. Not counted in ClinVar's aggregate classification.
Comment: This sequence change creates a premature translational stop signal (p.Thr1707Metfs*5) in the BRCA2 gene. It is expected to result in an absent or disrupted protein product. Loss-of-function variants in BRCA2 are known to be pathogenic (PMID: 20104584). This variant is not present in population databases (gnomAD no frequency). This variant has not been reported in the literature in individuals affected with BRCA2-related conditions. ClinVar contains an entry for this variant (Variation ID: 265057). For these reasons, this variant has been classified as Pathogenic.

GeneDx
Classification: Pathogenic. Last evaluated: 2025-04-18. Review status: criteria provided, single submitter. Criteria: GeneDx Variant Classification Process June 2021. Collection method: clinical testing. Allele origin: germline. Affected: yes. Not counted in ClinVar's aggregate classification.
Comment: Frameshift variant predicted to result in protein truncation or nonsense mediated decay in a gene for which loss of function is a known mechanism of disease; Not observed at significant frequency in large population cohorts (gnomAD); Truncating variants in this gene are considered pathogenic by a well-established clinical consortium and/or database; Has not been previously published as pathogenic or benign to our knowledge; Also known as 5348del

Greenwood Genetic Center Diagnostic Laboratories, Greenwood Genetic Center
Classification: Pathogenic for BRCA2-related disorder. Last evaluated: 2024-09-10. Review status: criteria provided, single submitter. Criteria: ACMG Guidelines, 2015. Collection method: clinical testing. Allele origin: germline. Not counted in ClinVar's aggregate classification.
Comment: PVS1, PM2, expert panel = Path

Baylor Genetics
Classification: Likely pathogenic for Familial cancer of breast. Last evaluated: 2023-11-20. Review status: criteria provided, single submitter. Criteria: ACMG Guidelines, 2015. Collection method: clinical testing. Allele origin: unknown. Not counted in ClinVar's aggregate classification.

Women's Health and Genetics/Laboratory Corporation of America, LabCorp
Classification: Pathogenic for Hereditary breast ovarian cancer syndrome. Last evaluated: 2023-03-23. Review status: criteria provided, single submitter. Criteria: LabCorp Variant Classification Summary - May 2015. Collection method: clinical testing. Allele origin: germline. Not counted in ClinVar's aggregate classification.
Comment: Variant summary: BRCA2 c.5120delC (p.Thr1707MetfsX5) results in a premature termination codon, predicted to cause a truncation of the encoded protein or absence of the protein due to nonsense mediated decay, which are commonly known mechanisms for disease. Truncations downstream of this position have been classified as pathogenic by our laboratory. The variant was absent in 231046 control chromosomes. To our knowledge, no occurrence of c.5120delC in individuals affected with Hereditary Breast And Ovarian Cancer Syndrome and no experimental evidence demonstrating its impact on protein function have been reported. Six clinical diagnostic laboratories have submitted clinical-significance assessments for this variant to ClinVar after 2014 without evidence for independent evaluation. All laboratories classified the variant as pathogenic. Based on the evidence outlined above, the variant was classified as pathogenic.

Color Diagnostics, LLC DBA Color Health
Classification: Pathogenic for Hereditary cancer-predisposing syndrome. Last evaluated: 2020-05-15. Review status: criteria provided, single submitter. Criteria: ACMG Guidelines, 2015. Collection method: clinical testing. Allele origin: germline. Not counted in ClinVar's aggregate classification.
Comment: This variant deletes 1 nucleotide in exon 11 of the BRCA2 gene, creating a frameshift and premature translation stop signal. This variant is expected to result in an absent or non-functional protein product. To our knowledge, this variant has not been reported in individuals affected with hereditary cancer in the literature. This variant has not been identified in the general population by the Genome Aggregation Database (gnomAD). Loss of BRCA2 function is a known mechanism of disease. Based on the available evidence, this variant is classified as Pathogenic.

Quest Diagnostics Nichols Institute San Juan Capistrano
Classification: Pathogenic. Last evaluated: 2019-02-27. Review status: criteria provided, single submitter. Criteria: Quest Diagnostics criteria. Collection method: clinical testing. Allele origin: germline. Not counted in ClinVar's aggregate classification.
Comment: The variant results in a shift of the reading frame, and is therefore predicted to result in the loss of a functional protein. Found in at least one symptomatic patient, and not found in general population data.

Literature cited by the submitters: PubMed 20104584 (cited by Labcorp Genetics (formerly Invitae), Labcorp).

NM_000059.4(BRCA2):c.5120del (p.Thr1707fs)

Gene: BRCA2 (BRCA2 DNA repair associated; plus strand). Cytogenetic location: 13q13.1.
Variant type: Deletion.
Coding change: c.5120del on transcript NM_000059.4 (MANE Select); coding-DNA position 5120, one base deleted (C; older notation c.5120delC).
Protein change: p.Thr1707fs; shifts the reading frame from threonine 1707.
Molecular consequence: frameshift variant.
Genome position (GRCh38, 1-based): chr13:32,339,475, C deleted. VCF-style (leftmost placement, unchanged base first): chr13-32339474-AC-A. GRCh37 (hg19) VCF-style: chr13-32913611-AC-A.
Other names: c.5120delC (NM_000059.3); short protein forms T1707fs.
Identifiers: ClinVar variation 265057 (VCV000265057.25), dbSNP rs886039318, ClinGen allele CA10588565.